The following is an entry in ClinVar:

ClinVar aggregate classification (germline): Uncertain significance (1 of 4 stars; one submission).

Conditions:
CHARGE syndrome (CHARGE). Also called: Hittner Hirsch Kreh syndrome; CHARGE ASSOCIATION--COLOBOMA, HEART ANOMALY, CHOANAL ATRESIA, RETARDATION, GENITAL AND EAR ANOMALIES; Coloboma, heart anomaly, choanal atresia, retardation, genital and ear anomalies; CHARGE association; Hall-Hittner syndrome. Identifiers: Orphanet 138, MedGen C0265354, MONDO:0008965.

Submission:

Labcorp Genetics (formerly Invitae), Labcorp
Classification: Uncertain significance for CHARGE syndrome. Last evaluated: 2022-04-18. Review status: criteria provided, single submitter. Criteria: Invitae Variant Classification Sherloc (09022015). Collection method: clinical testing. Allele origin: germline.
Comment: In summary, the available evidence is currently insufficient to determine the role of this variant in disease. Therefore, it has been classified as a Variant of Uncertain Significance. This sequence change replaces serine, which is neutral and polar, with asparagine, which is neutral and polar, at codon 574 of the CHD7 protein (p.Ser574Asn). This variant is not present in population databases (gnomAD no frequency). Algorithms developed to predict the effect of sequence changes on RNA splicing suggest that this variant may disrupt the consensus splice site. Advanced modeling of protein sequence and biophysical properties (such as structural, functional, and spatial information, amino acid conservation, physicochemical variation, residue mobility, and thermodynamic stability) performed at Invitae indicates that this missense variant is not expected to disrupt CHD7 protein function. This variant has not been reported in the literature in individuals affected with CHD7-related conditions.

NM_017780.4(CHD7):c.1721G>A (p.Ser574Asn)

Genes: CHD7 (chromodomain helicase DNA binding protein 7; plus strand), LOC126860403 (CDK7 strongly-dependent group 2 enhancer GRCh37_chr8:61693034-61694233; plus strand). Cytogenetic location: 8q12.2.
Variant type: single nucleotide variant.
Coding change: c.1721G>A on transcript NM_017780.4 (MANE Select); coding-DNA position 1721, G replaced by A.
Protein change: p.Ser574Asn; replaces serine 574 with asparagine.
Molecular consequence: missense variant. On other transcripts: intron variant (1).
Genome position (GRCh38, 1-based): chr8:60,781,055, G>A. VCF-style: chr8-60781055-G-A. GRCh37 (hg19) VCF-style: chr8-61693614-G-A.
Other names: c.1716+5G>A (NM_001316690.1); short protein forms S574N.
Identifiers: ClinVar variation 2179968 (VCV002179968.4), dbSNP rs2487536857, ClinGen allele CA371311559.